The following is an entry in ClinVar:

NM_004006.3(DMD):c.9483G>A (p.Leu3161=)

Gene: DMD (dystrophin; minus strand). Cytogenetic location: Xp21.2.
Variant type: single nucleotide variant.
Coding change: c.9483G>A on transcript NM_004006.3 (MANE Select); coding-DNA position 9483, G replaced by A.
Protein change: p.Leu3161=; no amino-acid change (leucine 3161 retained).
Molecular consequence: synonymous variant.
Genome position (GRCh38, 1-based): chrX:31,209,578, C>T on the plus strand (G>A on the coding strand, the complement: DMD is on the minus strand). VCF-style: chrX-31209578-C-T. GRCh37 (hg19) VCF-style: chrX-31227695-C-T.
Other names: c.9459G>A, p.Leu3153= (NM_000109.4); c.9471G>A, p.Leu3157= (NM_004009.3); c.9114G>A, p.Leu3038= (NM_004010.3); c.5460G>A, p.Leu1820= (NM_004011.4); c.5451G>A, p.Leu1817= (NM_004012.4); c.2103G>A, p.Leu701= (NM_004013.3, NM_004020.4, NM_004021.3 and 2 more transcripts); c.1296G>A, p.Leu432= (NM_004014.3); c.279G>A, p.Leu93= (NM_004015.3, NM_004016.3, NM_004017.3 and 2 more transcripts).
Identifiers: ClinVar variation 1037974 (VCV001037974.9), dbSNP rs749737691, ClinGen allele CA10377801.

ClinVar aggregate classification (germline): Likely benign. Review status: criteria provided, multiple submitters, no conflicts (2 of 4 stars). 4 submissions from 4 submitters: Likely benign (3). 1 of the submissions does not count toward it. Last evaluated 2026-06-01.

Conditions:
Duchenne muscular dystrophy (DMD). Also called: MUSCULAR DYSTROPHY, PSEUDOHYPERTROPHIC PROGRESSIVE, DUCHENNE TYPE; Duchenne Muscular Dystrophy (DMD). Identifiers: Orphanet 98896, MedGen C0013264, MONDO:0010679, OMIM 310200.
Cardiomyopathy (CMYO). Also called: Cardiomyopathies. Identifiers: Orphanet 167848, MedGen C0878544, MONDO:0004994, HP:0001638. Inheritance: Various modes of inheritance.
Dystrophin deficiency.
Becker muscular dystrophy (BMD). Also called: Becker Muscular Dystrophy (BMD); MUSCULAR DYSTROPHY, PSEUDOHYPERTROPHIC PROGRESSIVE, BECKER TYPE. Identifiers: Orphanet 98895, MedGen C0917713, MONDO:0010311, OMIM 300376.

Allele frequency attached by ClinVar (database versions not stated): ExAC 0.00001; gnomAD exomes 0.00001; TOPMed 0.00001.
gnomAD v4.1: 1 of 1,211,526 alleles (0.000083%); highest among the groups gnomAD compares: Admixed American, 0.0022%; no homozygotes.

Submissions (4):

CeGaT Center for Human Genetics Tuebingen
Classification: Likely benign. Last evaluated: 2026-06-01. Review status: criteria provided, single submitter. Criteria: CeGaT Center For Human Genetics Tuebingen Variant Classification Criteria Version 2. Collection method: clinical testing. Allele origin: germline. Affected: yes. Observed: 1 variant allele.
Comment: DMD: BP4, BP7

Labcorp Genetics (formerly Invitae), Labcorp
Classification: Likely benign for Duchenne muscular dystrophy. Last evaluated: 2025-07-29. Review status: criteria provided, single submitter. Criteria: Invitae Variant Classification Sherloc (09022015). Collection method: clinical testing. Allele origin: germline.

Women's Health and Genetics/Laboratory Corporation of America, LabCorp
Classification: Likely benign. Last evaluated: 2024-12-06. Review status: criteria provided, single submitter. Criteria: LabCorp Variant Classification Summary - May 2015. Collection method: clinical testing. Allele origin: germline.

Natera, Inc.
Classification: Uncertain significance for Becker muscular dystrophy; Cardiomyopathy; Duchenne muscular dystrophy; Dystrophin deficiency. Last evaluated: 2018-06-02. Review status: no assertion criteria provided. Collection method: clinical testing. Allele origin: germline. Not counted in ClinVar's aggregate classification.